The following continues an entry in ClinVar:

NM_004360.5(CDH1):c.2512A>G (p.Ser838Gly)

Gene: CDH1. ClinVar aggregate classification (germline): Likely benign. Likely benign (1).

Submissions 16 to 24 of 24:

Sema4
Classification: Likely benign for Hereditary cancer-predisposing syndrome. Last evaluated: 2020-10-12. Review status: criteria provided, single submitter. Criteria: Sema4 Curation Guidelines. Collection method: curation. Allele origin: germline. Not counted in ClinVar's aggregate classification.

GeneDx
Classification: Likely benign. Last evaluated: 2019-06-12. Review status: criteria provided, single submitter. Criteria: GeneDx Variant Classification Process June 2021. Collection method: clinical testing. Allele origin: germline. Affected: yes. Not counted in ClinVar's aggregate classification.
Comment: In-silico analyses, including protein predictors and evolutionary conservation, are inconsistent in their assessment as to whether or not the variant is damaging; This variant is associated with the following publications: (PMID: 25801821, 29929997, 30374176, 8075649, 22470475, 25980754, 19139070, 10671552, 26674224, 27616075, 28993866, 9823469, 28767289, 31159747)

Ambry Genetics
Classification: Likely benign for Hereditary cancer-predisposing syndrome. Last evaluated: 2018-11-09. Review status: criteria provided, single submitter. Criteria: Ambry Variant Classification Scheme 2023. Collection method: clinical testing. Allele origin: germline. Not counted in ClinVar's aggregate classification.

GeneKor MSA
Classification: Uncertain significance for Hereditary cancer-predisposing syndrome. Last evaluated: 2018-08-01. Review status: criteria provided, single submitter. Criteria: ACMG Guidelines, 2015. Collection method: clinical testing. Allele origin: germline. Not counted in ClinVar's aggregate classification.

University of Washington Department of Laboratory Medicine, University of Washington
Classification: Likely benign for Hereditary diffuse gastric cancer. Last evaluated: 2018-05-26. Review status: criteria provided, single submitter. Criteria: Tsai GJ et al. (Genet Med 2018). Collection method: research. Allele origin: germline. Inheritance: Autosomal dominant inheritance. Affected: yes. Clinical features observed: Breast carcinoma. Not counted in ClinVar's aggregate classification.
Comment: The CDH1 variant designated as NM_004360.3:c.2512A>G (p.Ser838Gly) is classified as likely benign in the context of hereditary diffuse gastric cancer syndrome (Hansford 2015, PMID:26182300). This variant was identified or imputed in several family members age 65 or older who have not had gastric cancer or lobular breast cancer. This variant is listed in population databases (rs121964872) and is found in approximately 1 out of 9000 individuals of European ancestry. This variant is predicted to be tolerated by in silico prediction tools (SIFT, PolyPhen-2, Align-GVGD). Bayesian analysis integrating all of this data (Tavtigian et al, 2018, PMID:29300386) gives about 1% probability of pathogenicity, which is consistent with a classification of likely benign. This variant is not predicted to cause hereditary diffuse gastric cancer syndrome. A smaller increase in cancer risk that the risk reported in the literature due to this variant cannot be entirely excluded. This analysis was performed in conjunction with the family studies project as part of the University of Washington Find My Variant Study.

Illumina Laboratory Services, Illumina
Classification: Uncertain significance for Hereditary diffuse gastric adenocarcinoma. Last evaluated: 2017-04-28. Review status: criteria provided, single submitter. Criteria: ICSL Variant Classification Criteria 13 December 2019. Collection method: clinical testing. Allele origin: germline. Not counted in ClinVar's aggregate classification.
Comment: This variant was observed as part of a predisposition screen in an ostensibly healthy population. A literature search was performed for the gene, cDNA change, and amino acid change (where applicable). Publications were found based on this search. However, the evidence from the literature, in combination with allele frequency data from public databases where available, was not sufficient to rule this variant in or out of causing disease. Therefore, this variant is classified as a variant of unknown significance.

PreventionGenetics, part of Exact Sciences
Classification: Likely benign for CDH1-related condition. Last evaluated: 2020-11-05. Review status: no assertion criteria provided. Collection method: clinical testing. Allele origin: germline. Not counted in ClinVar's aggregate classification.
Comment: This variant is classified as likely benign based on ACMG/AMP sequence variant interpretation guidelines (Richards et al. 2015 PMID: 25741868, with internal and published modifications).

Counsyl
Classification: Uncertain significance for Hereditary diffuse gastric adenocarcinoma. Last evaluated: 2015-11-17. Review status: no assertion criteria provided. Collection method: clinical testing. Allele origin: unknown. Not counted in ClinVar's aggregate classification.

OMIM
Classification: Pathogenic for OVARIAN CANCER, SOMATIC. Last evaluated: 1994-05-01. Review status: no assertion criteria provided. Collection method: literature only. Allele origin: somatic. Not counted in ClinVar's aggregate classification.

Literature cited by the submitters: PubMed 8075649 (cited by 5 submitters); PubMed 25980754 (cited by 4 submitters); PubMed 25186627 (cited by 3 submitters); PubMed 25882375 (cited by Women's Health and Genetics/Laboratory Corporation of America, LabCorp); PubMed 27616075 (cited by 3 submitters); PubMed 27930734 (cited by Women's Health and Genetics/Laboratory Corporation of America, LabCorp and Ambry Genetics); PubMed 28767289 (cited by 3 submitters); PubMed 30089731 (cited by Women's Health and Genetics/Laboratory Corporation of America, LabCorp and Quest Diagnostics Nichols Institute San Juan Capistrano); PubMed 30311375 (cited by Women's Health and Genetics/Laboratory Corporation of America, LabCorp and Ambry Genetics); PubMed 29522266 (cited by 3 submitters); PubMed 30287823 (cited by Women's Health and Genetics/Laboratory Corporation of America, LabCorp and Quest Diagnostics Nichols Institute San Juan Capistrano); PubMed 30374176 (cited by 3 submitters); PubMed 30426508 (cited by 3 submitters); PubMed 31159747 (cited by 4 submitters); PubMed 28993866 (cited by 3 submitters); PubMed 33980423 (cited by Women's Health and Genetics/Laboratory Corporation of America, LabCorp); PubMed 35089076 (cited by Women's Health and Genetics/Laboratory Corporation of America, LabCorp); PubMed 33471991 (cited by Department of Pathology and Laboratory Medicine, Sinai Health System and Quest Diagnostics Nichols Institute San Juan Capistrano); PubMed 29492670 (cited by Quest Diagnostics Nichols Institute San Juan Capistrano); PubMed 22470475 (cited by 4 submitters); PubMed 19139070 (cited by 4 submitters); PubMed 36436516 (cited by European Reference Network on Genetic Tumour Risk Syndromes (ERN-GENTURIS), i3s - Instituto de Investigação e Inovação em Saúde, University of Porto).